The following is an entry in ClinVar:

NM_024675.4(PALB2):c.1188C>T (p.Cys396=)

Gene: PALB2 (partner and localizer of BRCA2; minus strand). Cytogenetic location: 16p12.2.
Variant type: single nucleotide variant.
Coding change: c.1188C>T on transcript NM_024675.4 (MANE Select); coding-DNA position 1188, C replaced by T.
Protein change: p.Cys396=; no amino-acid change (cysteine 396 retained).
Molecular consequence: synonymous variant.
Genome position (GRCh38, 1-based): chr16:23,635,358, G>A on the plus strand (C>T on the coding strand, the complement: PALB2 is on the minus strand). VCF-style: chr16-23635358-G-A. GRCh37 (hg19) VCF-style: chr16-23646679-G-A.
Identifiers: ClinVar variation 136126 (VCV000136126.23), dbSNP rs587780817, ClinGen allele CA187510.

ClinVar aggregate classification (germline): Benign/Likely benign. Review status: criteria provided, multiple submitters, no conflicts (2 of 4 stars). 7 submissions from 7 submitters: Benign (1); Likely benign (6). Last evaluated 2025-12-10.

Conditions:
Hereditary cancer-predisposing syndrome. Also called: Tumor predisposition; Hereditary neoplastic syndrome; Neoplastic Syndromes, Hereditary; Hereditary Cancer Syndrome. Identifiers: Orphanet 140162, MedGen C0027672, MeSH D009386, MONDO:0015356.
Familial cancer of breast. Also called: BREAST CANCER, FAMILIAL; hereditary breast carcinoma; Hereditary breast cancer. Identifiers: Orphanet 227535, MedGen C0346153, MONDO:0016419, OMIM 114480. Disease mechanism: loss of function.

Allele frequency attached by ClinVar (database versions not stated): gnomAD 0.00001; ExAC 0.00002; gnomAD exomes 0.00002; TOPMed 0.00002.
gnomAD v4.1: 78 of 1,613,852 alleles (0.0048%); highest among the groups gnomAD compares: Non-Finnish European, 0.0064%; no homozygotes.

Submissions (7):

Labcorp Genetics (formerly Invitae), Labcorp
Classification: Likely benign for Familial cancer of breast. Last evaluated: 2025-12-10. Review status: criteria provided, single submitter. Criteria: Invitae Variant Classification Sherloc (09022015). Collection method: clinical testing. Allele origin: germline.

Myriad Genetics, Inc.
Classification: Benign for Familial cancer of breast. Last evaluated: 2025-01-13. Review status: criteria provided, single submitter. Criteria: Myriad Autosomal Dominant, Autosomal Recessive and X-Linked Classification Criteria (2023). Collection method: clinical testing. Allele origin: unknown.
Comment: This variant is considered benign. This variant is a silent/synonymous amino acid change and it is not expected to impact splicing.

Women's Health and Genetics/Laboratory Corporation of America, LabCorp
Classification: Likely benign. Last evaluated: 2020-10-29. Review status: criteria provided, single submitter. Criteria: LabCorp Variant Classification Summary - May 2015. Collection method: clinical testing. Allele origin: germline.

GeneDx
Classification: Likely benign. Last evaluated: 2018-11-12. Review status: criteria provided, single submitter. Criteria: GeneDx Variant Classification Process June 2021. Collection method: clinical testing. Allele origin: germline. Affected: yes.
Comment: This variant is associated with the following publications: (PMID: 26283626)

Color Diagnostics, LLC DBA Color Health
Classification: Likely benign for Hereditary cancer-predisposing syndrome. Last evaluated: 2015-10-09. Review status: criteria provided, single submitter. Criteria: ACMG Guidelines, 2015. Collection method: clinical testing. Allele origin: germline.

Cancer Genetics Laboratory, Peter MacCallum Cancer Centre
Classification: Likely benign for Familial cancer of breast. Last evaluated: 2015-06-01. Review status: criteria provided, single submitter. Criteria: Thompson et al. (Breast Cancer Res. 2015). Collection method: case-control. Allele origin: germline. Affected: no. Observed: 1 variant allele, 1 heterozygote.

Ambry Genetics
Classification: Likely benign for Hereditary cancer-predisposing syndrome. Last evaluated: 2015-03-09. Review status: criteria provided, single submitter. Criteria: Ambry Variant Classification Scheme 2023. Collection method: clinical testing. Allele origin: germline.